The following is an entry in ClinVar:

NM_001348768.2(HECW2):c.4006C>T (p.Leu1336Phe)

Gene: HECW2 (HECT, C2 and WW domain containing E3 ubiquitin protein ligase 2; minus strand). Cytogenetic location: 2q32.3.
Variant type: single nucleotide variant.
Coding change: c.4006C>T on transcript NM_001348768.2 (MANE Select); coding-DNA position 4006, C replaced by T.
Protein change: p.Leu1336Phe; replaces leucine 1336 with phenylalanine.
Molecular consequence: missense variant.
Genome position (GRCh38, 1-based): chr2:196,225,782, G>A on the plus strand (C>T on the coding strand, the complement: HECW2 is on the minus strand). VCF-style: chr2-196225782-G-A. GRCh37 (hg19) VCF-style: chr2-197090506-G-A.
Other names: c.2938C>T, p.Leu980Phe (NM_001304840.3); c.4006C>T, p.Leu1336Phe (NM_020760.4); short protein forms L1336F, L980F.
Identifiers: ClinVar variation 2498860 (VCV002498860.28), dbSNP rs2468608384, ClinGen allele CA349949592.

ClinVar aggregate classification (germline): Uncertain significance (1 of 4 stars; one submission).

Submission:

CeGaT Center for Human Genetics Tuebingen
Classification: Uncertain significance. Last evaluated: 2023-03-01. Review status: criteria provided, single submitter. Criteria: CeGaT Center For Human Genetics Tuebingen Variant Classification Criteria Version 2. Collection method: clinical testing. Allele origin: germline. Affected: yes. Observed: 1 variant allele.
Comment: HECW2: PM2, PP2, PP3